The following is an entry in ClinVar:

ClinVar aggregate classification (germline): Uncertain significance (1 of 4 stars; one submission).

Allele frequency attached by ClinVar (database versions not stated): ExAC 0.00001; TOPMed 0.00001; ESP Exome Variant Server 0.00008.

Submission:

Labcorp Genetics (formerly Invitae), Labcorp
Classification: Uncertain significance. Last evaluated: 2022-05-01. Review status: criteria provided, single submitter. Criteria: Invitae Variant Classification Sherloc (09022015). Collection method: clinical testing. Allele origin: germline.
Comment: This sequence change replaces proline, which is neutral and non-polar, with threonine, which is neutral and polar, at codon 2138 of the KMT2B protein (p.Pro2138Thr). This variant is not present in population databases (gnomAD no frequency). This missense change has been observed in individual(s) with dystonia (Invitae). Algorithms developed to predict the effect of missense changes on protein structure and function are either unavailable or do not agree on the potential impact of this missense change (SIFT: "Tolerated"; PolyPhen-2: "Not Available"; Align-GVGD: "Class C0"). In summary, the available evidence is currently insufficient to determine the role of this variant in disease. Therefore, it has been classified as a Variant of Uncertain Significance.

NM_014727.3(KMT2B):c.6412C>A (p.Pro2138Thr)

Gene: KMT2B (lysine methyltransferase 2B; plus strand). Cytogenetic location: 19q13.12.
Variant type: single nucleotide variant.
Coding change: c.6412C>A on transcript NM_014727.3 (MANE Select); coding-DNA position 6412, C replaced by A.
Protein change: p.Pro2138Thr; replaces proline 2138 with threonine.
Molecular consequence: missense variant.
Genome position (GRCh38, 1-based): chr19:35,732,961, C>A. VCF-style: chr19-35732961-C-A. GRCh37 (hg19) VCF-style: chr19-36223862-C-A.
Other names: short protein forms P2138T.
Identifiers: ClinVar variation 2132567 (VCV002132567.4), dbSNP rs372860000, ClinGen allele CA9385682.